The following is an entry in ClinVar:

NM_001009944.3(PKD1):c.12515C>A (p.Ser4172Tyr)

Gene: PKD1 (polycystin 1, transient receptor potential channel interacting; minus strand). Cytogenetic location: 16p13.3.
Variant type: single nucleotide variant.
Coding change: c.12515C>A on transcript NM_001009944.3 (MANE Select); coding-DNA position 12515, C replaced by A.
Protein change: p.Ser4172Tyr; replaces serine 4172 with tyrosine.
Molecular consequence: missense variant.
Genome position (GRCh38, 1-based): chr16:2,090,124, G>T on the plus strand (C>A on the coding strand, the complement: PKD1 is on the minus strand). VCF-style: chr16-2090124-G-T. GRCh37 (hg19) VCF-style: chr16-2140125-G-T.
Other names: c.12512C>A, p.Ser4171Tyr (NM_000296.4); short protein forms S4171Y, S4172Y.
Identifiers: ClinVar variation 1699607 (VCV001699607.3), dbSNP rs781744375, ClinGen allele CA394322424.

ClinVar aggregate classification (germline): Uncertain significance (1 of 4 stars; one submission).

Allele frequency attached by ClinVar (database versions not stated): gnomAD 0.00002; TOPMed 0.00001.
gnomAD v4.1: 4 of 1,599,488 alleles (0.00025%); highest among the groups gnomAD compares: Non-Finnish European, 0.00034%; no homozygotes.

Submission:

GeneDx
Classification: Uncertain significance. Last evaluated: 2026-07-09. Review status: criteria provided, single submitter. Criteria: GeneDx Variant Classification Process June 2021. Collection method: clinical testing. Allele origin: germline.
Comment: Not observed at significant frequency in large population cohorts (gnomAD); In silico analysis supports that this missense variant has a deleterious effect on protein structure/function; Has not been previously published as pathogenic or benign to our knowledge